The following is an entry in ClinVar:

ClinVar aggregate classification (germline): Uncertain significance. Review status: criteria provided, multiple submitters, no conflicts (2 of 4 stars). 2 submissions from 2 submitters: Uncertain significance (2). Last evaluated 2024-09-20.

Conditions:
Inborn genetic diseases. Identifiers: MedGen C0950123, MeSH D030342.

Allele frequency attached by ClinVar (database versions not stated): TOPMed 0.00001.

Submissions (2):

Ambry Genetics
Classification: Uncertain significance for Inborn genetic diseases. Last evaluated: 2024-09-20. Review status: criteria provided, single submitter. Criteria: Ambry Variant Classification Scheme 2023. Collection method: clinical testing. Allele origin: germline.

Women's Health and Genetics/Laboratory Corporation of America, LabCorp
Classification: Uncertain significance. Last evaluated: 2023-04-11. Review status: criteria provided, single submitter. Criteria: LabCorp Variant Classification Summary - May 2015. Collection method: clinical testing. Allele origin: germline.
Comment: Variant summary: LMNB1 c.43G>A (p.Ala15Thr) results in a non-conservative amino acid change in the encoded protein sequence. Four of five in-silico tools predict a benign effect of the variant on protein function. The variant was absent in 78262 control chromosomes (gnomAD). The available data on variant occurrences in the general population are insufficient to allow any conclusion about variant significance. To our knowledge, no occurrence of c.43G>A in individuals affected with LMNB1-Related Disorders and no experimental evidence demonstrating its impact on protein function have been reported. No clinical diagnostic laboratories have submitted clinical-significance assessments for this variant to ClinVar after 2014. Based on the evidence outlined above, the variant was classified as uncertain significance.

NM_005573.4(LMNB1):c.43G>A (p.Ala15Thr)

Gene: LMNB1 (lamin B1; plus strand). Cytogenetic location: 5q23.2.
Variant type: single nucleotide variant.
Coding change: c.43G>A on transcript NM_005573.4 (MANE Select); coding-DNA position 43, G replaced by A.
Protein change: p.Ala15Thr; replaces alanine 15 with threonine.
Molecular consequence: missense variant. On other transcripts: non-coding transcript variant (2), intron variant (1).
Genome position (GRCh38, 1-based): chr5:126,777,551, G>A. VCF-style: chr5-126777551-G-A. GRCh37 (hg19) VCF-style: chr5-126113243-G-A.
Other names: c.-272+307G>A (NM_001198557.2); c.43G>A (NM_005573.3); short protein forms A15T.
Identifiers: ClinVar variation 2504018 (VCV002504018.2), dbSNP rs1026331406, ClinGen allele CA126939014.
Genomic context (GRCh38, chr5:126,777,551, plus strand): 5'-CTGTCTCCGCCGCCCGCCATGGCGACTGCGACCCCCGTGCCGCCGCGGATGGGCAGCCGC[G>A]CTGGCGGCCCCACCACGCCGCTGAGCCCCACGCGCCTGTCGCGGCTCCAGGAGAAGGAGG-3'
Protein context (NP_005564.1, residues 5-25): TPVPPRMGSR[Ala15Thr]GGPTTPLSPT